The following is an entry in ClinVar:

ClinVar aggregate classification (germline): Uncertain significance. Review status: criteria provided, multiple submitters, no conflicts (2 of 4 stars). 2 submissions from 2 submitters: Uncertain significance (2). Last evaluated 2024-03-07.

Allele frequency attached by ClinVar (database versions not stated): TOPMed below 0.00001; gnomAD exomes 0.00001.
gnomAD v4.1: 20 of 1,549,512 alleles (0.0013%); highest among the groups gnomAD compares: Non-Finnish European, 0.0017%; no homozygotes.

Submissions (2):

Ambry Genetics
Classification: Uncertain significance. Last evaluated: 2024-03-07. Review status: criteria provided, single submitter. Criteria: Ambry Variant Classification Scheme 2023. Collection method: clinical testing. Allele origin: germline.

Labcorp Genetics (formerly Invitae), Labcorp
Classification: Uncertain significance. Last evaluated: 2023-10-17. Review status: criteria provided, single submitter. Criteria: Invitae Variant Classification Sherloc (09022015). Collection method: clinical testing. Allele origin: germline.
Comment: This sequence change replaces proline, which is neutral and non-polar, with leucine, which is neutral and non-polar, at codon 449 of the RIMS1 protein (p.Pro449Leu). This variant is not present in population databases (gnomAD no frequency). This variant has not been reported in the literature in individuals affected with RIMS1-related conditions. An algorithm developed to predict the effect of missense changes on protein structure and function (PolyPhen-2) suggests that this variant is likely to be tolerated. In summary, the available evidence is currently insufficient to determine the role of this variant in disease. Therefore, it has been classified as a Variant of Uncertain Significance.

NM_014989.7(RIMS1):c.1346C>T (p.Pro449Leu)

Gene: RIMS1 (regulating synaptic membrane exocytosis 1; plus strand). Cytogenetic location: 6q13.
Variant type: single nucleotide variant.
Coding change: c.1346C>T on transcript NM_014989.7 (MANE Select); coding-DNA position 1346, C replaced by T.
Protein change: p.Pro449Leu; replaces proline 449 with leucine.
Molecular consequence: missense variant.
Genome position (GRCh38, 1-based): chr6:72,182,817, C>T. VCF-style: chr6-72182817-C-T. GRCh37 (hg19) VCF-style: chr6-72892520-C-T.
Other names: c.1346C>T (NM_014989.4); short protein forms P449L.
Identifiers: ClinVar variation 2892973 (VCV002892973.4), dbSNP rs1442226337, ClinGen allele CA364820957.